The following is an entry in ClinVar:

GRCh38/hg38 12p12.1(chr12:24538766-25197188)x3

Genes: BCAT1 (branched chain amino acid transaminase 1; minus strand), BCAT1-AS1 (BCAT1 antisense RNA 1; plus strand), BCAT1-DT (BCAT1 divergent transcript; plus strand), DNAI7 (dynein axonemal intermediate chain 7; minus strand), ETFRF1 (electron transfer flavoprotein regulatory factor 1; plus strand) and 24 more. Cytogenetic location: 12p12.1.
Variant type: copy number gain.
Change: copy number 3 (three copies instead of two) of chr12:24,538,766-25,197,188 (658.4 kb, GRCh38 coordinates, 1-based), cytogenetic band 12p12.1.
Identifiers: ClinVar variation 4755350 (VCV004755350.1).

ClinVar aggregate classification (germline): Uncertain significance (1 of 4 stars; one submission).

Submission:

Clinical Genomics Laboratory, Laboratory for Precision Diagnostics, University of Washington
Classification: Uncertain significance. Last evaluated: 2021-08-11. Review status: criteria provided, single submitter. Criteria: ACMG/ClinGen CNV Guidelines, 2019. Collection method: clinical testing. Allele origin: unknown. Affected: yes. Observed: 1 variant allele.
Comment: The classification of this duplication is uncertain, per ACMGG interpretation standards. It affects protein-coding elements (Section 1, 0 points) but does not include any known triplosensitive genes or regions (Section 2, 0 points). Six protein-coding genes are affected by the duplication (Section 3, 0 points). A review of public databases (ClinVar, DECIPHER) and the medical literature shows no informative reports of a similar duplication (Section 4, 0 points). ClinVar includes 5 similar duplications (3 classified as VUS and 2 classified as likely benign), none of which were found in a patient with a neural tube defect. The clinical features of these 5 patients were nonspecific (e.g. autism, delayed speech and language, ventricular septal defect) and inheritance information was unknown or not provided. Similar duplications do appear twice in the Database of Genomic Variants (DGV - nsv469169 seen in 1 of 1557 and nsv557775 seen in 1 of 17,421) but not in gnomAD (Section 4O, -0.1 points). Parental testing of this proband has not been done (Section 5, 0 points).